The following is an entry in ClinVar:

NM_001318852.2(MAPK8IP3):c.1775G>A (p.Arg592His)

Gene: MAPK8IP3 (mitogen-activated protein kinase 8 interacting protein 3; plus strand). Cytogenetic location: 16p13.3.
Variant type: single nucleotide variant.
Coding change: c.1775G>A on transcript NM_001318852.2 (MANE Select); coding-DNA position 1775, G replaced by A.
Protein change: p.Arg592His; replaces arginine 592 with histidine.
Molecular consequence: missense variant.
Genome position (GRCh38, 1-based): chr16:1,762,883, G>A. VCF-style: chr16-1762883-G-A. GRCh37 (hg19) VCF-style: chr16-1812884-G-A.
Other names: c.1754G>A, p.Arg585His (NM_001040439.2); c.1772G>A, p.Arg591His (NM_015133.5, NM_033392.3); short protein forms R585H, R591H, R592H.
Identifiers: ClinVar variation 2645919 (VCV002645919.24), dbSNP rs202005400, ClinGen allele CA7817018.

ClinVar aggregate classification (germline): Likely benign (1 of 4 stars; one submission).

Allele frequency attached by ClinVar (database versions not stated): gnomAD exomes 0.00077; gnomAD 0.00102; TOPMed 0.00110; ESP Exome Variant Server 0.00121; ExAC 0.00133.
gnomAD v4.1: 1,376 of 1,612,900 alleles (0.085%); highest among the groups gnomAD compares: Non-Finnish European, 0.016%; 23 homozygotes.

Submission:

CeGaT Center for Human Genetics Tuebingen
Classification: Likely benign. Last evaluated: 2026-08-01. Review status: criteria provided, single submitter. Criteria: CeGaT Center For Human Genetics Tuebingen Variant Classification Criteria Version 2. Collection method: clinical testing. Allele origin: germline. Affected: yes. Observed: 4 variant alleles.
Comment: MAPK8IP3: BS1